The following is an entry in ClinVar:

NM_005263.5(GFI1):c.1100C>T (p.Pro367Leu)

Genes: GFI1 (growth factor independent 1 transcriptional repressor; minus strand), LOC129930930 (ATAC-STARR-seq lymphoblastoid active region 1314; plus strand). Cytogenetic location: 1p22.1.
Variant type: single nucleotide variant.
Coding change: c.1100C>T on transcript NM_005263.5 (MANE Select); coding-DNA position 1100, C replaced by T.
Protein change: p.Pro367Leu; replaces proline 367 with leucine.
Molecular consequence: missense variant.
Genome position (GRCh38, 1-based): chr1:92,476,198, G>A on the plus strand (C>T on the coding strand, the complement: GFI1 is on the minus strand). VCF-style: chr1-92476198-G-A. GRCh37 (hg19) VCF-style: chr1-92941755-G-A.
Other names: c.1100C>T, p.Pro367Leu (NM_001127215.3, NM_001127216.3); short protein forms P367L.
Identifiers: ClinVar variation 4263181 (VCV004263181.1).

ClinVar aggregate classification (germline): Uncertain significance (1 of 4 stars; one submission).

gnomAD v4.1: 5 of 1,613,062 alleles (0.00031%); highest among the groups gnomAD compares: Non-Finnish European, 0.00042%; no homozygotes.

Submission:

Ambry Genetics
Classification: Uncertain significance. Last evaluated: 2025-06-21. Review status: criteria provided, single submitter. Criteria: Ambry Variant Classification Scheme 2023. Collection method: clinical testing. Allele origin: germline.
Comment: The p.P367L variant (also known as c.1100C>T), located in coding exon 6 of the GFI1 gene, results from a C to T substitution at nucleotide position 1100. The proline at codon 367 is replaced by leucine, an amino acid with similar properties. This amino acid position is conserved. In addition, this alteration is predicted to be tolerated by in silico analysis. Based on the available evidence, the clinical significance of this variant remains unclear.